The following is an entry in ClinVar:

ClinVar aggregate classification (germline): Conflicting classifications of pathogenicity. Review status: criteria provided, conflicting classifications (1 of 4 stars). 6 submissions from 6 submitters: Uncertain significance (1); Benign (4). 1 of the submissions does not count toward it. Last evaluated 2026-02-03.

Conditions:
PHF6-related disorder. Also called: PHF6-related condition.
Inborn genetic diseases. Identifiers: MedGen C0950123, MeSH D030342.
Borjeson-Forssman-Lehmann syndrome (BFLS). Also called: MENTAL RETARDATION, X-LINKED, SYNDROMIC, BORJESON-FORSSMAN-LEHMANN TYPE; MENTAL RETARDATION, EPILEPSY, AND ENDOCRINE DISORDERS; BORJESON SYNDROME. Identifiers: Orphanet 127, MedGen C0265339, MONDO:0010537, OMIM 301900.

Allele frequency attached by ClinVar (database versions not stated): gnomAD exomes 0.00067 and 0.00198; ExAC 0.00233; 1000 Genomes Project 30x 0.00499; 1000 Genomes Project 0.00530; gnomAD 0.00638 and 0.00691; TOPMed 0.00771; ESP Exome Variant Server 0.01004.
gnomAD v4.1: 1,486 of 1,206,976 alleles (0.12%); highest among the groups gnomAD compares: African/African-American, 2.3%; 12 homozygotes.

Submissions (7):

Labcorp Genetics (formerly Invitae), Labcorp
Classification: Benign for Borjeson-Forssman-Lehmann syndrome. Last evaluated: 2026-02-03. Review status: criteria provided, single submitter. Criteria: Invitae Variant Classification Sherloc (09022015). Collection method: clinical testing. Allele origin: germline.

ARUP Laboratories, Molecular Genetics and Genomics, ARUP Laboratories
Classification: Benign for Borjeson-Forssman-Lehmann syndrome. Last evaluated: 2024-06-28. Review status: criteria provided, single submitter. Criteria: ARUP Molecular Germline Variant Investigation Process 2024. Collection method: clinical testing. Allele origin: germline.

Ambry Genetics
Classification: Benign for Inborn genetic diseases. Last evaluated: 2016-07-11. Review status: criteria provided, single submitter. Criteria: Ambry Variant Classification Scheme 2023. Collection method: clinical testing. Allele origin: germline.

GeneDx
Classification: Benign. Last evaluated: 2015-03-03. Review status: criteria provided, single submitter. Criteria: GeneDx Variant Classification Process June 2021. Collection method: clinical testing. Allele origin: germline. Affected: yes.

Genetic Services Laboratory, University of Chicago
Classification: Uncertain significance. Last evaluated: 2013-02-14. Review status: criteria provided, single submitter. Criteria: ACMG Guidelines, 2007. Collection method: clinical testing. Allele origin: germline. Inheritance: X-linked inheritance.

PreventionGenetics, part of Exact Sciences
Classification: Benign for PHF6-related condition. Last evaluated: 2019-08-30. Review status: no assertion criteria provided. Collection method: clinical testing. Allele origin: germline. Not counted in ClinVar's aggregate classification.
Comment: This variant is classified as benign based on ACMG/AMP sequence variant interpretation guidelines (Richards et al. 2015 PMID: 25741868, with internal and published modifications).

Dr. Peter K. Rogan Lab, Western University
No classification provided (evidence only). Condition: Gastric cancer. Review status: no classification provided. Collection method: in vitro. Allele origin: not applicable. Functional consequence: retained intron. Not counted in ClinVar's aggregate classification.

NM_001015877.2(PHF6):c.729+4A>G

Gene: PHF6 (PHD finger protein 6; plus strand). Cytogenetic location: Xq26.2.
Variant type: single nucleotide variant.
Coding change: c.729+4A>G on transcript NM_001015877.2 (MANE Select); 4 bases into the intron after coding-DNA position 729, A replaced by G.
Molecular consequence: intron variant.
Genome position (GRCh38, 1-based): chrX:134,413,970, A>G. VCF-style: chrX-134413970-A-G. GRCh37 (hg19) VCF-style: chrX-133548000-A-G.
Other names: c.732+4A>G (LRG_629t2, NM_032335.3); c.729+4A>G (NM_032458.3).
Identifiers: ClinVar variation 129886 (VCV000129886.27), dbSNP rs188961105, ClinGen allele CA231374.